The following is an entry in ClinVar:

ClinVar aggregate classification (germline): Uncertain significance. Review status: criteria provided, multiple submitters, no conflicts (2 of 4 stars). 2 submissions from 2 submitters: Uncertain significance (2). Last evaluated 2023-07-05.

Conditions:
Bethlem myopathy 1A. Also called: Bethlem Muscular Dystrophy; MYOPATHY, BENIGN CONGENITAL, WITH CONTRACTURES; Bethlem myopathy 1. Identifiers: Orphanet 610, MedGen CN029274, MONDO:0024530, OMIM 158810.

Allele frequency attached by ClinVar (database versions not stated): gnomAD exomes below 0.00001; ExAC 0.00001.
gnomAD v4.1: 5 of 1,613,948 alleles (0.00031%); highest among the groups gnomAD compares: Non-Finnish European, 0.00042%; no homozygotes.

Submissions (2):

Blueprint Genetics
Classification: Uncertain significance. Last evaluated: 2023-07-05. Review status: criteria provided, single submitter. Criteria: ACMG Guidelines, 2015. Collection method: clinical testing. Allele origin: germline.

Labcorp Genetics (formerly Invitae), Labcorp
Classification: Uncertain significance for Bethlem myopathy 1. Last evaluated: 2019-10-07. Review status: criteria provided, single submitter. Criteria: Invitae Variant Classification Sherloc (09022015). Collection method: clinical testing. Allele origin: germline.
Comment: This sequence change replaces glycine with arginine at codon 1109 of the COL6A3 protein (p.Gly1109Arg). The glycine residue is highly conserved and there is a moderate physicochemical difference between glycine and arginine. This variant is present in population databases (rs752924311, ExAC 0.002%). This variant has not been reported in the literature in individuals with COL6A3-related conditions. Algorithms developed to predict the effect of missense changes on protein structure and function (SIFT, PolyPhen-2, Align-GVGD) all suggest that this variant is likely to be disruptive, but these predictions have not been confirmed by published functional studies and their clinical significance is uncertain. Algorithms developed to predict the effect of sequence changes on RNA splicing suggest that this variant may create or strengthen a splice site, but this prediction has not been confirmed by published transcriptional studies. In summary, the available evidence is currently insufficient to determine the role of this variant in disease. Therefore, it has been classified as a Variant of Uncertain Significance.

NM_004369.4(COL6A3):c.3325G>A (p.Gly1109Arg)

Gene: COL6A3 (collagen type VI alpha 3 chain; minus strand). Cytogenetic location: 2q37.3.
Variant type: single nucleotide variant.
Coding change: c.3325G>A on transcript NM_004369.4 (MANE Select); coding-DNA position 3325, G replaced by A.
Protein change: p.Gly1109Arg; replaces glycine 1109 with arginine.
Molecular consequence: missense variant.
Genome position (GRCh38, 1-based): chr2:237,374,766, C>T on the plus strand (G>A on the coding strand, the complement: COL6A3 is on the minus strand). VCF-style: chr2-237374766-C-T. GRCh37 (hg19) VCF-style: chr2-238283409-C-T.
Other names: c.2104G>A, p.Gly702Arg (NM_057164.5); c.2707G>A, p.Gly903Arg (NM_057165.5, NM_057167.4); c.1504G>A, p.Gly502Arg (NM_057166.5); short protein forms G502R, G702R, G1109R, G903R.
Identifiers: ClinVar variation 937810 (VCV000937810.2), dbSNP rs752924311, ClinGen allele CA2189186.